The following is an entry in ClinVar:

ClinVar aggregate classification (germline): Uncertain significance. Review status: criteria provided, multiple submitters, no conflicts (2 of 4 stars). 2 submissions from 2 submitters: Uncertain significance (2). Last evaluated 2025-03-20.

Conditions:
Inborn genetic diseases. Identifiers: MedGen C0950123, MeSH D030342.
LAMA2-related muscular dystrophy (LAMA2-RD). Also called: Laminin alpha 2-related dystrophy. Identifiers: MedGen C5679788, MONDO:0100228.

Allele frequency attached by ClinVar (database versions not stated): gnomAD exomes below 0.00001; ExAC 0.00001; gnomAD 0.00001; TOPMed 0.00001.
gnomAD v4.1: 8 of 1,614,048 alleles (0.0005%); highest among the groups gnomAD compares: Middle Eastern, 0.049%; no homozygotes.

Submissions (2):

Ambry Genetics
Classification: Uncertain significance for Inborn genetic diseases. Last evaluated: 2025-03-20. Review status: criteria provided, single submitter. Criteria: Ambry Variant Classification Scheme 2023. Collection method: clinical testing. Allele origin: germline.

Labcorp Genetics (formerly Invitae), Labcorp
Classification: Uncertain significance for LAMA2-related muscular dystrophy. Last evaluated: 2024-02-24. Review status: criteria provided, single submitter. Criteria: Invitae Variant Classification Sherloc (09022015). Collection method: clinical testing. Allele origin: germline.
Comment: This sequence change replaces threonine, which is neutral and polar, with serine, which is neutral and polar, at codon 1193 of the LAMA2 protein (p.Thr1193Ser). This variant is present in population databases (rs750931031, gnomAD 0.003%). This variant has not been reported in the literature in individuals affected with LAMA2-related conditions. ClinVar contains an entry for this variant (Variation ID: 1366475). Advanced modeling of protein sequence and biophysical properties (such as structural, functional, and spatial information, amino acid conservation, physicochemical variation, residue mobility, and thermodynamic stability) performed at Invitae indicates that this missense variant is not expected to disrupt LAMA2 protein function with a negative predictive value of 95%. In summary, the available evidence is currently insufficient to determine the role of this variant in disease. Therefore, it has been classified as a Variant of Uncertain Significance.

NM_000426.4(LAMA2):c.3578C>G (p.Thr1193Ser)

Gene: LAMA2 (laminin subunit alpha 2; plus strand). Cytogenetic location: 6q22.33.
Variant type: single nucleotide variant.
Coding change: c.3578C>G on transcript NM_000426.4 (MANE Select); coding-DNA position 3578, C replaced by G.
Protein change: p.Thr1193Ser; replaces threonine 1193 with serine.
Molecular consequence: missense variant.
Genome position (GRCh38, 1-based): chr6:129,315,498, C>G. VCF-style: chr6-129315498-C-G. GRCh37 (hg19) VCF-style: chr6-129636643-C-G.
Other names: c.3578C>G (NM_000426.3); c.3578C>G, p.Thr1193Ser (NM_001079823.2); short protein forms T1193S.
Identifiers: ClinVar variation 1366475 (VCV001366475.6), dbSNP rs750931031, ClinGen allele CA3993305.
Genomic context (GRCh38, chr6:129,315,498, plus strand): 5'-GTAAATTCAGCCTTCTGCTGTATTTTGACCCCTTGCAGGTGACTCTGAAGGCTGAGCAGA[C>G]CATTCTACCCCTGGTAGATGAGGCTCTGCAGCACACGACCACCAAGGGCATTGTTTTTCA-3'
Protein context (NP_000417.3, residues 1183-1203): RTWVTLKAEQ[Thr1193Ser]ILPLVDEALQ